The following is an entry in ClinVar:

NM_015346.4(ZFYVE26):c.2070G>C (p.Arg690Ser)

Gene: ZFYVE26 (zinc finger FYVE-type containing 26; minus strand). Cytogenetic location: 14q24.1.
Variant type: single nucleotide variant.
Coding change: c.2070G>C on transcript NM_015346.4 (MANE Select); coding-DNA position 2070, G replaced by C.
Protein change: p.Arg690Ser; replaces arginine 690 with serine.
Molecular consequence: missense variant.
Genome position (GRCh38, 1-based): chr14:67,798,192, C>G on the plus strand (G>C on the coding strand, the complement: ZFYVE26 is on the minus strand). VCF-style: chr14-67798192-C-G. GRCh37 (hg19) VCF-style: chr14-68264909-C-G.
Other names: c.2070G>C (NM_015346.3); short protein forms R690S.
Identifiers: ClinVar variation 1492535 (VCV001492535.4), dbSNP rs911420369, ClinGen allele CA262867957.
Genomic context (GRCh38, chr14:67,798,192, plus strand): 5'-TTGCTTTGGCTTCTCAGGAGGGCTGCGGCTACTGATCTCATCCAGTTGCTCTTGGAGAAG[C>G]CTGAGGAAGGCCCCTATTGCAAATTCATCAGCCAGAAATCCACTGATACCACTAGTAAAG-3'
Protein context (NP_056161.2, residues 680-700): ADEFAIGAFL[Arg690Ser]LLQEQLDEIS

ClinVar aggregate classification (germline): Uncertain significance. Review status: criteria provided, multiple submitters, no conflicts (2 of 4 stars). 2 submissions from 2 submitters: Uncertain significance (2). Last evaluated 2022-07-05.

Conditions:
Inborn genetic diseases. Identifiers: MedGen C0950123, MeSH D030342.
Spastic paraplegia. Identifiers: MedGen C0037772, HP:0001258.

Allele frequency attached by ClinVar (database versions not stated): gnomAD exomes below 0.00001; gnomAD 0.00003; TOPMed 0.00005.
gnomAD v4.1: 11 of 1,614,132 alleles (0.00068%); highest among the groups gnomAD compares: African/African-American, 0.015%; no homozygotes.

Submissions (2):

Labcorp Genetics (formerly Invitae), Labcorp
Classification: Uncertain significance for Spastic paraplegia. Last evaluated: 2022-07-05. Review status: criteria provided, single submitter. Criteria: Invitae Variant Classification Sherloc (09022015). Collection method: clinical testing. Allele origin: germline.
Comment: This sequence change replaces arginine, which is basic and polar, with serine, which is neutral and polar, at codon 690 of the ZFYVE26 protein (p.Arg690Ser). This variant is not present in population databases (gnomAD no frequency). This variant has not been reported in the literature in individuals affected with ZFYVE26-related conditions. ClinVar contains an entry for this variant (Variation ID: 1492535). Algorithms developed to predict the effect of missense changes on protein structure and function output the following: SIFT: "Tolerated"; PolyPhen-2: "Benign"; Align-GVGD: "Class C0". The serine amino acid residue is found in multiple mammalian species, which suggests that this missense change does not adversely affect protein function. In summary, the available evidence is currently insufficient to determine the role of this variant in disease. Therefore, it has been classified as a Variant of Uncertain Significance.

Ambry Genetics
Classification: Uncertain significance for Inborn genetic diseases. Last evaluated: 2021-01-05. Review status: criteria provided, single submitter. Criteria: Ambry Variant Classification Scheme 2023. Collection method: clinical testing. Allele origin: germline.
Comment: The c.2070G>C (p.R690S) alteration is located in exon 11 (coding exon 10) of the ZFYVE26 gene. This alteration results from a G to C substitution at nucleotide position 2070, causing the arginine (R) at amino acid position 690 to be replaced by a serine (S). The p.R690S alteration is predicted to be tolerated by in silico analysis. Based on insufficient or conflicting evidence, the clinical significance of this alteration remains unclear.